The following is an entry in ClinVar:

ClinVar aggregate classification (germline): Uncertain significance. Review status: criteria provided, multiple submitters, no conflicts (2 of 4 stars). 4 submissions from 4 submitters: Uncertain significance (4). Last evaluated 2025-01-10.

Conditions:
KIAA0586-related disorder. Also called: KIAA0586- Related disorders; KIAA0586-related condition.
Inborn genetic diseases. Identifiers: MedGen C0950123, MeSH D030342.
Joubert syndrome 23 (JBTS23). Identifiers: Orphanet 475, MedGen C4084822, MONDO:0014664, OMIM 616490.
Short-rib thoracic dysplasia 14 with polydactyly (SRTD14). Identifiers: Orphanet 397715, MedGen C4225286, MONDO:0014688, OMIM 616546.

Allele frequency attached by ClinVar (database versions not stated): gnomAD exomes 0.00005; gnomAD 0.00008; ExAC 0.00013; TOPMed 0.00015.
gnomAD v4.1: 386 of 1,583,188 alleles (0.024%); highest among the groups gnomAD compares: Non-Finnish European, 0.032%; 2 homozygotes.

Submissions (4):

Ambry Genetics
Classification: Uncertain significance for Inborn genetic diseases. Last evaluated: 2025-01-10. Review status: criteria provided, single submitter. Criteria: Ambry Variant Classification Scheme 2023. Collection method: clinical testing. Allele origin: germline.

GeneDx
Classification: Uncertain significance. Last evaluated: 2023-06-09. Review status: criteria provided, single submitter. Criteria: GeneDx Variant Classification Process June 2021. Collection method: clinical testing. Allele origin: germline. Affected: yes.
Comment: In silico analysis supports that this missense variant has a deleterious effect on protein structure/function; Has not been previously published as pathogenic or benign to our knowledge

PreventionGenetics, part of Exact Sciences
Classification: Uncertain significance for KIAA0586-related condition. Last evaluated: 2022-10-19. Review status: criteria provided, single submitter. Criteria: ACMG Guidelines, 2015. Collection method: clinical testing. Allele origin: germline.
Comment: The KIAA0586 c.4474T>G variant is predicted to result in the amino acid substitution p.Phe1492Val. To our knowledge, this variant has not been reported in the literature. This variant is reported in 0.0098% of alleles in individuals of European (Non-Finnish) descent in gnomAD. At this time, the clinical significance of this variant is uncertain due to the absence of conclusive functional and genetic evidence.

Labcorp Genetics (formerly Invitae), Labcorp
Classification: Uncertain significance for Joubert syndrome 23; Short-rib thoracic dysplasia 14 with polydactyly. Last evaluated: 2022-06-04. Review status: criteria provided, single submitter. Criteria: Invitae Variant Classification Sherloc (09022015). Collection method: clinical testing. Allele origin: germline.
Comment: This sequence change replaces phenylalanine, which is neutral and non-polar, with valine, which is neutral and non-polar, at codon 1492 of the KIAA0586 protein (p.Phe1492Val). This variant is present in population databases (rs200405048, gnomAD 0.01%). This variant has not been reported in the literature in individuals affected with KIAA0586-related conditions. ClinVar contains an entry for this variant (Variation ID: 1045900). Algorithms developed to predict the effect of missense changes on protein structure and function (SIFT, PolyPhen-2, Align-GVGD) all suggest that this variant is likely to be tolerated. In summary, the available evidence is currently insufficient to determine the role of this variant in disease. Therefore, it has been classified as a Variant of Uncertain Significance.

NM_001329943.3(KIAA0586):c.4315T>G (p.Phe1439Val)

Gene: KIAA0586 (KIAA0586; plus strand). Cytogenetic location: 14q23.1.
Variant type: single nucleotide variant.
Coding change: c.4315T>G on transcript NM_001329943.3 (MANE Select); coding-DNA position 4315, T replaced by G.
Protein change: p.Phe1439Val; replaces phenylalanine 1439 with valine.
Molecular consequence: missense variant.
Genome position (GRCh38, 1-based): chr14:58,508,701, T>G. VCF-style: chr14-58508701-T-G. GRCh37 (hg19) VCF-style: chr14-58975419-T-G.
Other names: c.4474T>G, p.Phe1492Val (NM_001244189.2); c.4270T>G, p.Phe1424Val (NM_001244190.2); c.4060T>G, p.Phe1354Val (NM_001244191.2, NM_001329945.2, NM_001364700.1 and 1 more transcripts); c.4183T>G, p.Phe1395Val (NM_001244192.2, NM_001329947.2); c.3895T>G, p.Phe1299Val (NM_001244193.2); c.4315T>G, p.Phe1439Val (NM_001329944.2, NM_001329946.2); c.4087T>G, p.Phe1363Val (NM_014749.5); c.4474T>G (NM_001244189.1); and 1 more; short protein forms F1395V, F1439V, F1424V, F1299V, F1354V, F1363V, F1492V.
Identifiers: ClinVar variation 1045900 (VCV001045900.6), dbSNP rs200405048, ClinGen allele CA7206363.